The following is an entry in ClinVar:

ClinVar aggregate classification (germline): Uncertain significance. Review status: criteria provided, multiple submitters, no conflicts (2 of 4 stars). 2 submissions from 2 submitters: Uncertain significance (2). Last evaluated 2025-12-12.

gnomAD v4.1: 1 of 1,612,688 alleles (0.000062%); highest among the groups gnomAD compares: African/African-American, 0.0013%; no homozygotes.

Submissions (2):

Women's Health and Genetics/Laboratory Corporation of America, LabCorp
Classification: Uncertain significance. Last evaluated: 2025-12-12. Review status: criteria provided, single submitter. Criteria: LabCorp Variant Classification Summary - May 2015. Collection method: clinical testing. Allele origin: germline.
Comment: Variant summary: CHD1 c.193G>A (p.Glu65Lys) results in a conservative amino acid change in the encoded protein sequence. Algorithms developed to predict the effect of missense changes on protein structure and function are either unavailable or do not agree on the potential impact of this missense change. The variant allele was found at a frequency of 4e-06 in 251464 control chromosomes. The available data on variant occurrences in the general population are insufficient to allow any conclusion about variant significance. To our knowledge, no occurrence of c.193G>A in individuals affected with CHD1-related conditions and no experimental evidence demonstrating its impact on protein function have been reported. ClinVar contains an entry for this variant (Variation ID: 4227721). Based on the evidence outlined above, the variant was classified as uncertain significance.

Ambry Genetics
Classification: Uncertain significance. Last evaluated: 2025-08-27. Review status: criteria provided, single submitter. Criteria: Ambry Variant Classification Scheme 2023. Collection method: clinical testing. Allele origin: germline.

NM_001270.4(CHD1):c.193G>A (p.Glu65Lys)

Genes: CHD1 (chromodomain helicase DNA binding protein 1; minus strand), LOC126807465 (P300/CBP strongly-dependent group 1 enhancer GRCh37_chr5:98240158-98241357; plus strand). Cytogenetic location: 5q21.1.
Variant type: single nucleotide variant.
Coding change: c.193G>A on transcript NM_001270.4 (MANE Select); coding-DNA position 193, G replaced by A.
Protein change: p.Glu65Lys; replaces glutamic acid 65 with lysine.
Molecular consequence: missense variant. On other transcripts: non-coding transcript variant (2).
Genome position (GRCh38, 1-based): chr5:98,904,959, C>T on the plus strand (G>A on the coding strand, the complement: CHD1 is on the minus strand). VCF-style: chr5-98904959-C-T. GRCh37 (hg19) VCF-style: chr5-98240663-C-T.
Other names: c.193G>A, p.Glu65Lys (NM_001364113.3, NM_001376194.2); short protein forms E65K.
Identifiers: ClinVar variation 4227721 (VCV004227721.2).